The following is an entry in ClinVar:

NM_001365999.1(SZT2):c.2386C>G (p.Gln796Glu)

Gene: SZT2 (SZT2 subunit of KICSTOR complex; plus strand). Cytogenetic location: 1p34.2.
Variant type: single nucleotide variant.
Coding change: c.2386C>G on transcript NM_001365999.1 (MANE Select); coding-DNA position 2386, C replaced by G.
Protein change: p.Gln796Glu; replaces glutamine 796 with glutamic acid.
Molecular consequence: missense variant.
Genome position (GRCh38, 1-based): chr1:43,424,347, C>G. VCF-style: chr1-43424347-C-G. GRCh37 (hg19) VCF-style: chr1-43890018-C-G.
Other names: c.2386C>G, p.Gln796Glu (NM_015284.4); short protein forms Q796E.
Identifiers: ClinVar variation 642987 (VCV000642987.10), dbSNP rs1570640764, ClinGen allele CA340012640.

ClinVar aggregate classification (germline): Uncertain significance (1 of 4 stars; one submission).

Allele frequency attached by ClinVar (database versions not stated): gnomAD exomes below 0.00001.
gnomAD v4.1: 2 of 1,598,112 alleles (0.00013%); highest among the groups gnomAD compares: Non-Finnish European, 0.00017%; no homozygotes.

Submission:

Labcorp Genetics (formerly Invitae), Labcorp
Classification: Uncertain significance. Last evaluated: 2019-04-25. Review status: criteria provided, single submitter. Criteria: Invitae Variant Classification Sherloc (09022015). Collection method: clinical testing. Allele origin: germline.
Comment: This sequence change replaces glutamine with glutamic acid at codon 796 of the SZT2 protein (p.Gln796Glu). The glutamine residue is weakly conserved and there is a small physicochemical difference between glutamine and glutamic acid. This variant is not present in population databases (ExAC no frequency). In summary, the available evidence is currently insufficient to determine the role of this variant in disease. Therefore, it has been classified as a Variant of Uncertain Significance. This variant has not been reported in the literature in individuals with SZT2-related disease. Algorithms developed to predict the effect of missense changes on protein structure and function (SIFT, PolyPhen-2, Align-GVGD) all suggest that this variant is likely to be tolerated, but these predictions have not been confirmed by published functional studies and their clinical significance is uncertain.